The following is an entry in ClinVar:

ClinVar aggregate classification (germline): Uncertain significance. Review status: criteria provided, multiple submitters, no conflicts (2 of 4 stars). 4 submissions from 4 submitters: Uncertain significance (4). Last evaluated 2025-09-24.

Conditions:
Lymphoproliferative syndrome 1 (LPFS1). Identifiers: Orphanet 238505, Orphanet 538963, MedGen C3552634, MONDO:0013081, OMIM 613011.

Allele frequency attached by ClinVar (database versions not stated): gnomAD exomes below 0.00001; gnomAD 0.00003.

Submissions (4):

Labcorp Genetics (formerly Invitae), Labcorp
Classification: Uncertain significance for Lymphoproliferative syndrome 1. Last evaluated: 2025-09-24. Review status: criteria provided, single submitter. Criteria: Invitae Variant Classification Sherloc (09022015). Collection method: clinical testing. Allele origin: germline.
Comment: This sequence change replaces glycine, which is neutral and non-polar, with arginine, which is basic and polar, at codon 354 of the ITK protein (p.Gly354Arg). This variant also falls at the last nucleotide of exon 11, which is part of the consensus splice site for this exon. The frequency data for this variant in the population databases is considered unreliable, as metrics indicate poor data quality at this position in the gnomAD database. This missense change has been observed in individuals with lymphoma (internal data). ClinVar contains an entry for this variant (Variation ID: 352470). An algorithm developed to predict the effect of missense changes on protein structure and function (PolyPhen-2) suggests that this variant is likely to be tolerated. Variants that disrupt the consensus splice site are a relatively common cause of aberrant splicing (PMID: 17576681, 9536098). Algorithms developed to predict the effect of sequence changes on RNA splicing suggest that this variant may disrupt the consensus splice site. In summary, the available evidence is currently insufficient to determine the role of this variant in disease. Therefore, it has been classified as a Variant of Uncertain Significance.

Department of Molecular Genetics, Istishari Arab Hospital
Classification: Uncertain significance for Lymphoproliferative syndrome 1. Last evaluated: 2025-08-17. Review status: criteria provided, single submitter. Criteria: ACMG Guidelines, 2015. Collection method: clinical testing. Allele origin: inherited. Inheritance: Autosomal recessive inheritance. Affected: yes.
Comment: The ITK variant c.1060G>A, p.Gly354Arg causes an amino acid change from Gly to Arg at position 354 in exon(s) no. 11 (of 17). To the best of our knowledge, this variant was not previously reported in the literature. It is observed at an extremely low frequency in the gnomAD v4.1.0 dataset (total allele frequency: <0.001%). Different missense changes at the same codon have been reported as of uncertain significance . In silico tools predict the variant to alter splicing and produce an abnormal transcript [SpliceAI: 0.60 (moderate evidence for spliceogenicity)]. It is classified as a variant of uncertain significance (Class 3) based on ACMG/AMP/ClinGen SVI guidelines.

Blueprint Genetics
Classification: Uncertain significance. Last evaluated: 2024-03-20. Review status: criteria provided, single submitter. Criteria: ACMG Guidelines, 2015. Collection method: clinical testing. Allele origin: germline.

Illumina Laboratory Services, Illumina
Classification: Uncertain significance for Lymphoproliferative syndrome 1. Last evaluated: 2018-01-13. Review status: criteria provided, single submitter. Criteria: ICSL Variant Classification Criteria 13 December 2019. Collection method: clinical testing. Allele origin: germline.

Literature cited by the submitters: PubMed 17576681 (cited by Labcorp Genetics (formerly Invitae), Labcorp); PubMed 9536098 (cited by Labcorp Genetics (formerly Invitae), Labcorp).

NM_005546.4(ITK):c.1060G>A (p.Gly354Arg)

Gene: ITK (IL2 inducible T cell kinase; plus strand). Cytogenetic location: 5q33.3.
Variant type: single nucleotide variant.
Coding change: c.1060G>A on transcript NM_005546.4 (MANE Select); coding-DNA position 1060, G replaced by A.
Protein change: p.Gly354Arg; replaces glycine 354 with arginine.
Molecular consequence: missense variant.
Genome position (GRCh38, 1-based): chr5:157,241,720, G>A. VCF-style: chr5-157241720-G-A. GRCh37 (hg19) VCF-style: chr5-156668730-G-A.
Other names: p.Gly354Arg; short protein forms G354R.
Identifiers: ClinVar variation 352470 (VCV000352470.10), dbSNP rs886060327, ClinGen allele CA10619844.